The following is an entry in ClinVar:

NM_001374828.1(ARID1B):c.4131_4138del (p.Met1377fs)

Gene: ARID1B (AT-rich interaction domain 1B; plus strand). Cytogenetic location: 6q25.3.
Variant type: Deletion.
Coding change: c.4131_4138del on transcript NM_001374828.1 (MANE Select); coding-DNA positions 4131 to 4138, 8 bases deleted (GACTCCAA; older notation c.4131_4138delGACTCCAA).
Protein change: p.Met1377fs; shifts the reading frame from methionine 1377.
Molecular consequence: frameshift variant.
Genome position (GRCh38, 1-based): chr6:157,190,110-157,190,117, GACTCCAA deleted. VCF-style (leftmost placement, unchanged base first): chr6-157190109-TGACTCCAA-T. GRCh37 (hg19) VCF-style: chr6-157511243-TGACTCCAA-T.
Other names: c.1632_1639del, p.Met544fs (NM_001363725.2); c.4011_4018del, p.Met1337fs (NM_001371656.1, NM_001374820.1); c.3972_3979del, p.Met1324fs (NM_017519.3); c.3762_3769del8 (NM_020732.3); short protein forms M1324fs, M1337fs, M1377fs, M544fs.
Identifiers: ClinVar variation 2631513 (VCV002631513.1), dbSNP rs2538508020, ClinGen allele CA2695198379.

ClinVar aggregate classification (germline): Pathogenic (1 of 4 stars; one submission).

Conditions:
ARID1B-Related Disorder. Identifiers: MedGen CN381337.

Submission:

PreventionGenetics, part of Exact Sciences
Classification: Pathogenic for ARID1B-related condition. Last evaluated: 2023-08-14. Review status: criteria provided, single submitter. Criteria: ACMG Guidelines, 2015. Collection method: clinical testing. Allele origin: germline.
Comment: The ARID1B c.3762_3769del8 variant is predicted to result in a frameshift and premature protein termination (p.Met1254Ilefs*20). To our knowledge, this variant has not been reported in the literature or in a large population database, indicating this variant is rare. Frameshift variants in ARID1B are expected to be pathogenic. This variant is interpreted as pathogenic.